The following is an entry in ClinVar:

NM_002272.4(KRT4):c.475G>A (p.Glu159Lys)

Gene: KRT4 (keratin 4; minus strand). Cytogenetic location: 12q13.13.
Variant type: single nucleotide variant.
Coding change: c.475G>A on transcript NM_002272.4 (MANE Select); coding-DNA position 475, G replaced by A.
Protein change: p.Glu159Lys; replaces glutamic acid 159 with lysine.
Molecular consequence: missense variant.
Genome position (GRCh38, 1-based): chr12:52,811,965, C>T on the plus strand (G>A on the coding strand, the complement: KRT4 is on the minus strand). VCF-style: chr12-52811965-C-T. GRCh37 (hg19) VCF-style: chr12-53205749-C-T.
Other names: short protein forms E159K.
Identifiers: ClinVar variation 309694 (VCV000309694.6), dbSNP rs188245182, ClinGen allele CA6588710.

ClinVar aggregate classification (germline): Conflicting classifications of pathogenicity. Review status: criteria provided, conflicting classifications (1 of 4 stars). 2 submissions from 2 submitters: Uncertain significance (1); Benign (1). Last evaluated 2025-08-04.

Conditions:
Inborn genetic diseases. Identifiers: MedGen C0950123, MeSH D030342.
White sponge nevus 1. Also called: LEUKOKERATOSIS, HEREDITARY MUCOSAL. Identifiers: MedGen C4011926, MONDO:0008676, OMIM 193900.

Allele frequency attached by ClinVar (database versions not stated): gnomAD 0.00010 and 0.00013; TOPMed 0.00022; 1000 Genomes Project 30x 0.00031; 1000 Genomes Project 0.00040; ExAC 0.00045; gnomAD exomes 0.00045.

Submissions (2):

Ambry Genetics
Classification: Uncertain significance for Inborn genetic diseases. Last evaluated: 2025-08-04. Review status: criteria provided, single submitter. Criteria: Ambry Variant Classification Scheme 2023. Collection method: clinical testing. Allele origin: germline.

Illumina Laboratory Services, Illumina
Classification: Benign for White sponge nevus 1. Last evaluated: 2018-01-13. Review status: criteria provided, single submitter. Criteria: ICSL Variant Classification Criteria 13 December 2019. Collection method: clinical testing. Allele origin: germline.
Comment: This variant was observed in the ICSL laboratory as part of a predisposition screen in an ostensibly healthy population. It had not been previously curated by ICSL or reported in the Human Gene Mutation Database (HGMD: prior to June 1st, 2018), and was therefore a candidate for classification through an automated scoring system. Utilizing variant allele frequency, disease prevalence and penetrance estimates, and inheritance mode, an automated score was calculated to assess if this variant is too frequent to cause the disease. Based on the score and internal cut-off values, a variant classified as benign is not then subjected to further curation. The score for this variant resulted in a classification of benign for this disease.